The following is an entry in ClinVar:

NM_000081.4(LYST):c.8080C>T (p.Gln2694Ter)

Gene: LYST (lysosomal trafficking regulator; minus strand). Cytogenetic location: 1q42.3.
Variant type: single nucleotide variant.
Coding change: c.8080C>T on transcript NM_000081.4 (MANE Select); coding-DNA position 8080, C replaced by T.
Protein change: p.Gln2694Ter; replaces glutamine 2694 with a stop codon.
Molecular consequence: nonsense.
Genome position (GRCh38, 1-based): chr1:235,744,050, G>A on the plus strand (C>T on the coding strand, the complement: LYST is on the minus strand). VCF-style: chr1-235744050-G-A. GRCh37 (hg19) VCF-style: chr1-235907350-G-A.
Other names: c.8080C>T, p.Gln2694Ter (NM_001301365.1); short protein forms Q2694*.
Identifiers: ClinVar variation 2418862 (VCV002418862.6), dbSNP rs1665672573, ClinGen allele CA344924856.
Genomic context (GRCh38, chr1:235,744,050, plus strand): 5'-TGAATCCTTCTACCAGATATGTAAAAATTTCTTTCTGAAATGGATTGAAAACAGAAGACT[G>A]TTCATGATGAATATTTTCCTCAGAAATTTCGGTCTGGAAAACTGAGGTCTTGCTTTGAGT-3'

ClinVar aggregate classification (germline): Pathogenic (1 of 4 stars; one submission).

Conditions:
Chédiak-Higashi syndrome (CHS). Also called: Chediak-Higashi Syndrome. Identifiers: Orphanet 167, MedGen C0007965, MONDO:0008963, OMIM 214500.

Submission:

Labcorp Genetics (formerly Invitae), Labcorp
Classification: Pathogenic for Chédiak-Higashi syndrome. Last evaluated: 2021-12-06. Review status: criteria provided, single submitter. Criteria: Invitae Variant Classification Sherloc (09022015). Collection method: clinical testing. Allele origin: germline.
Comment: For these reasons, this variant has been classified as Pathogenic. This variant is also known as Q2693X. This premature translational stop signal has been observed in individual(s) with Chediak-Higashi syndrome (PMID: 30815890). This variant is not present in population databases (gnomAD no frequency). This sequence change creates a premature translational stop signal (p.Gln2694*) in the LYST gene. It is expected to result in an absent or disrupted protein product. Loss-of-function variants in LYST are known to be pathogenic (PMID: 9215679, 11857544).

Literature cited by the submitters: PubMed 30815890; PubMed 9215679; PubMed 11857544.